The following is an entry in ClinVar:

NM_022124.6(CDH23):c.995C>T (p.Thr332Met)

Gene: CDH23 (cadherin related 23; plus strand). Cytogenetic location: 10q22.1.
Variant type: single nucleotide variant.
Coding change: c.995C>T on transcript NM_022124.6 (MANE Select); coding-DNA position 995, C replaced by T.
Protein change: p.Thr332Met; replaces threonine 332 with methionine.
Molecular consequence: missense variant.
Genome position (GRCh38, 1-based): chr10:71,617,254, C>T. VCF-style: chr10-71617254-C-T. GRCh37 (hg19) VCF-style: chr10-73377011-C-T.
Other names: c.995C>T, p.Thr332Met (NM_001171930.2, NM_001171931.2, NM_001171932.2 and 1 more transcripts); short protein forms T332M.
Identifiers: ClinVar variation 863563 (VCV000863563.8), dbSNP rs376301184, ClinGen allele CA5543619.

ClinVar aggregate classification (germline): Uncertain significance. Review status: criteria provided, single submitter (1 of 4 stars). 2 submissions from 2 submitters: Uncertain significance (1). 1 of the submissions does not count toward it. Last evaluated 2023-10-20.

Conditions:
Usher syndrome type 1 (USH1). Also called: RETINITIS PIGMENTOSA AND CONGENITAL DEAFNESS. Identifiers: Orphanet 231169, Orphanet 886, MedGen C1568247, MONDO:0010168, OMIM 276900.

Allele frequency attached by ClinVar (database versions not stated): TOPMed 0.00001; ESP Exome Variant Server 0.00016; ExAC 0.00001.
gnomAD v4.1: 12 of 1,613,852 alleles (0.00074%); highest among the groups gnomAD compares: Middle Eastern, 0.016%; no homozygotes.

Submissions (2):

Labcorp Genetics (formerly Invitae), Labcorp
Classification: Uncertain significance. Last evaluated: 2023-10-20. Review status: criteria provided, single submitter. Criteria: Invitae Variant Classification Sherloc (09022015). Collection method: clinical testing. Allele origin: germline.
Comment: This sequence change replaces threonine, which is neutral and polar, with methionine, which is neutral and non-polar, at codon 332 of the CDH23 protein (p.Thr332Met). This variant is present in population databases (rs376301184, gnomAD 0.003%). This variant has not been reported in the literature in individuals affected with CDH23-related conditions. ClinVar contains an entry for this variant (Variation ID: 863563). Advanced modeling of protein sequence and biophysical properties (such as structural, functional, and spatial information, amino acid conservation, physicochemical variation, residue mobility, and thermodynamic stability) performed at Invitae indicates that this missense variant is not expected to disrupt CDH23 protein function. In summary, the available evidence is currently insufficient to determine the role of this variant in disease. Therefore, it has been classified as a Variant of Uncertain Significance.

Natera, Inc.
Classification: Uncertain significance for Usher syndrome type 1. Last evaluated: 2020-02-26. Review status: no assertion criteria provided. Collection method: clinical testing. Allele origin: germline. Not counted in ClinVar's aggregate classification.